The following is an entry in ClinVar:

NM_020822.3(KCNT1):c.3156+18G>A

Gene: KCNT1 (potassium sodium-activated channel subfamily T member 1; plus strand). Cytogenetic location: 9q34.3.
Variant type: single nucleotide variant.
Coding change: c.3156+18G>A on transcript NM_020822.3 (MANE Select); 18 bases into the intron after coding-DNA position 3156, G replaced by A.
Molecular consequence: intron variant.
Genome position (GRCh38, 1-based): chr9:135,784,907, G>A. VCF-style: chr9-135784907-G-A. GRCh37 (hg19) VCF-style: chr9-138676753-G-A.
Other names: c.3021+18G>A (NM_001272003.2).
Identifiers: ClinVar variation 4784308 (VCV004784308.1).

ClinVar aggregate classification (germline): Uncertain significance (1 of 4 stars; one submission).

Conditions:
Autosomal dominant nocturnal frontal lobe epilepsy 5. Also called: CILIARY DYSKINESIA, PRIMARY, 28, WITHOUT SITUS INVERSUS; CILIARY DYSKINESIA, PRIMARY, 28, WITH SITUS INVERSUS; KCNT1-Related Epilepsy; Epilepsy, nocturnal frontal lobe, 5. Identifiers: Orphanet 98784, MedGen C3554306, MONDO:0014002, OMIM 615005.
Developmental and epileptic encephalopathy, 14 (DEE14). Also called: Early infantile epileptic encephalopathy 14. Identifiers: Orphanet 293181, MedGen C3554195, MONDO:0013989, OMIM 614959.

gnomAD v4.1: 1 of 1,610,466 alleles (0.000062%); highest among the groups gnomAD compares: Non-Finnish European, 0.000085%; no homozygotes.

Submission:

Labcorp Genetics (formerly Invitae), Labcorp
Classification: Uncertain significance for Autosomal dominant nocturnal frontal lobe epilepsy 5; Developmental and epileptic encephalopathy, 14. Last evaluated: 2025-09-02. Review status: criteria provided, single submitter. Criteria: Invitae Variant Classification Sherloc (09022015). Collection method: clinical testing. Allele origin: germline.
Comment: This sequence change falls in intron 27 of the KCNT1 gene. It does not directly change the encoded amino acid sequence of the KCNT1 protein. This variant is not present in population databases (gnomAD no frequency). This variant has not been reported in the literature in individuals affected with KCNT1-related conditions. Algorithms developed to predict the effect of sequence changes on RNA splicing suggest that this variant may disrupt the consensus splice site. In summary, the available evidence is currently insufficient to determine the role of this variant in disease. Therefore, it has been classified as a Variant of Uncertain Significance.